The following is an entry in ClinVar:

ClinVar aggregate classification (germline): Uncertain significance (1 of 4 stars; one submission).

Submission:

Labcorp Genetics (formerly Invitae), Labcorp
Classification: Uncertain significance. Last evaluated: 2023-07-19. Review status: criteria provided, single submitter. Criteria: Invitae Variant Classification Sherloc (09022015). Collection method: clinical testing. Allele origin: germline.
Comment: In summary, the available evidence is currently insufficient to determine the role of this variant in disease. Therefore, it has been classified as a Variant of Uncertain Significance. Experimental studies and prediction algorithms are not available or were not evaluated, and the functional significance of this variant is currently unknown. This variant has not been reported in the literature in individuals affected with RGR-related conditions. This variant is not present in population databases (gnomAD no frequency). This sequence change creates a premature translational stop signal (p.Thr213Profs*27) in the RGR gene. While this is not anticipated to result in nonsense mediated decay, it is expected to disrupt the last 79 amino acid(s) of the RGR protein.

NM_001012720.2(RGR):c.637del (p.Thr213fs)

Gene: RGR (retinal G protein coupled receptor; plus strand). Cytogenetic location: 10q23.1.
Variant type: Deletion.
Coding change: c.637del on transcript NM_001012720.2 (MANE Select); coding-DNA position 637, one base deleted (A; older notation c.637delA).
Protein change: p.Thr213fs; shifts the reading frame from threonine 213.
Molecular consequence: frameshift variant. On other transcripts: intron variant (1).
Genome position (GRCh38, 1-based): chr10:84,257,899, A deleted. VCF-style (leftmost placement, unchanged base first): chr10-84257898-CA-C. GRCh37 (hg19) VCF-style: chr10-86017654-CA-C.
Other names: c.649del, p.Thr217fs (NM_002921.4); c.631-609del (NM_001012722.2); short protein forms T213fs, T217fs.
Identifiers: ClinVar variation 3004523 (VCV003004523.3), dbSNP rs2492650117, ClinGen allele CA2740093045.
Genomic context (GRCh38, chr10:84,257,898, plus strand): 5'-AGGGCTGTGGGCCACCTGGAGCAAGCTGACATCTCCTGTGACAATTTCTCCCCAGGTAAA[CA>C]CCACTCTGCCAGCAAGGACGCTGCTGCTCGGCTGGGGCCCCTATGCCATCCTGTATCTAT-3'